The following is an entry in ClinVar:

NM_000038.6(APC):c.604G>A (p.Glu202Lys)

Gene: APC (APC regulator of Wnt signaling pathway; plus strand). Cytogenetic location: 5q22.2.
Variant type: single nucleotide variant.
Coding change: c.604G>A on transcript NM_000038.6 (MANE Select); coding-DNA position 604, G replaced by A.
Protein change: p.Glu202Lys; replaces glutamic acid 202 with lysine.
Molecular consequence: missense variant. On other transcripts: 5 prime UTR variant (1).
Genome position (GRCh38, 1-based): chr5:112,780,862, G>A. VCF-style: chr5-112780862-G-A. GRCh37 (hg19) VCF-style: chr5-112116559-G-A.
Other names: c.604G>A, p.Glu202Lys (NM_001127510.3, NM_001354895.2, NM_001354896.2 and 2 more transcripts); c.634G>A, p.Glu212Lys (NM_001127511.3, NM_001354897.2, NM_001354902.2); c.529G>A, p.Glu177Lys (NM_001354898.2, NM_001354904.2); c.427G>A, p.Glu143Lys (NM_001354900.2, NM_001354901.2, NM_001354905.2); c.-432G>A (NM_001354906.2); short protein forms E212K, E143K, E177K, E202K.
Identifiers: ClinVar variation 1363580 (VCV001363580.6), dbSNP rs2149640325, ClinGen allele CA16022658.
Genomic context (GRCh38, chr5:112,780,862, plus strand): 5'-ACAGATATGACCAGAAGGCAATTGGAATATGAAGCAAGGCAAATCAGAGTTGCGATGGAA[G>A]AACAACTAGGTACCTGCCAGGATATGGAAAAACGAGCACAGGTAAGTTACTTGTTTCTAA-3'
Protein context (NP_000029.2, residues 192-212): EARQIRVAME[Glu202Lys]QLGTCQDMEK

ClinVar aggregate classification (germline): Uncertain significance (1 of 4 stars; one submission).

Conditions:
Familial adenomatous polyposis 1 (FAP1). Also called: POLYPOSIS, ADENOMATOUS INTESTINAL; FAMILIAL ADENOMATOUS POLYPOSIS 1, ATTENUATED. Identifiers: MedGen C2713442, MONDO:0021056, OMIM 175100. Disease mechanism: loss of function.

Submission:

Labcorp Genetics (formerly Invitae), Labcorp
Classification: Uncertain significance for Familial adenomatous polyposis 1. Last evaluated: 2021-04-26. Review status: criteria provided, single submitter. Criteria: Invitae Variant Classification Sherloc (09022015). Collection method: clinical testing. Allele origin: germline.
Comment: In summary, the available evidence is currently insufficient to determine the role of this variant in disease. Therefore, it has been classified as a Variant of Uncertain Significance. Algorithms developed to predict the effect of missense changes on protein structure and function (SIFT, PolyPhen-2, Align-GVGD) all suggest that this variant is likely to be tolerated, but these predictions have not been confirmed by published functional studies and their clinical significance is uncertain. This variant has not been reported in the literature in individuals with APC-related conditions. This variant is not present in population databases (ExAC no frequency). This sequence change replaces glutamic acid with lysine at codon 202 of the APC protein (p.Glu202Lys). The glutamic acid residue is highly conserved and there is a small physicochemical difference between glutamic acid and lysine.